The following is an entry in ClinVar:

ClinVar aggregate classification (germline): Benign. Review status: criteria provided, multiple submitters, no conflicts (2 of 4 stars). 2 submissions from 2 submitters: Benign (2). Last evaluated 2018-06-19.

Allele frequency attached by ClinVar (database versions not stated): 1000 Genomes Project 30x 0.03232; 1000 Genomes Project 0.03375; gnomAD exomes 0.04640 and 0.05003; ESP Exome Variant Server 0.04771; TOPMed 0.04870; gnomAD 0.04910 and 0.04930; ExAC 0.05353.
gnomAD v4.1: 80,480 of 1,605,576 alleles (5%); highest among the groups gnomAD compares: Middle Eastern, 7.5%; 2,350 homozygotes.

Submissions (2):

GeneDx
Classification: Benign. Last evaluated: 2018-06-19. Review status: criteria provided, single submitter. Criteria: GeneDx Variant Classification (06012015). Collection method: clinical testing. Allele origin: germline. Affected: yes.
Comment: This variant is considered likely benign or benign based on one or more of the following criteria: it is a conservative change, it occurs at a poorly conserved position in the protein, it is predicted to be benign by multiple in silico algorithms, and/or has population frequency not consistent with disease.

Breakthrough Genomics
Classification: Benign. Review status: criteria provided, single submitter. Criteria: ACMG Guidelines, 2015. Collection method: not provided. Allele origin: germline. Inheritance: Autosomal dominant inheritance. Affected: yes.

NM_000744.7(CHRNA4):c.384-23C>T

Gene: CHRNA4 (cholinergic receptor nicotinic alpha 4 subunit; minus strand). Cytogenetic location: 20q13.33.
Variant type: single nucleotide variant.
Coding change: c.384-23C>T on transcript NM_000744.7 (MANE Select); 23 bases into the intron before coding-DNA position 384, C replaced by T.
Molecular consequence: intron variant.
Genome position (GRCh38, 1-based): chr20:63,351,050, G>A on the plus strand (C>T on the coding strand, the complement: CHRNA4 is on the minus strand). VCF-style: chr20-63351050-G-A. GRCh37 (hg19) VCF-style: chr20-61982402-G-A.
Other names: c.-145-23C>T (NM_001256573.2).
Identifiers: ClinVar variation 670794 (VCV000670794.2), dbSNP rs56151028, ClinGen allele CA9957818.